The following is an entry in ClinVar:

ClinVar aggregate classification (germline): Uncertain significance (1 of 4 stars; one submission).

Submission:

GeneDx
Classification: Uncertain significance. Last evaluated: 2024-03-19. Review status: criteria provided, single submitter. Criteria: GeneDx Variant Classification Process June 2021. Collection method: clinical testing. Allele origin: germline. Affected: yes.
Comment: Has not been previously published as pathogenic or benign to our knowledge; Not observed at significant frequency in large population cohorts (gnomAD); In silico analysis supports that this missense variant does not alter protein structure/function

NM_053025.4(MYLK):c.2013T>G (p.Phe671Leu)

Gene: MYLK (myosin light chain kinase; minus strand). Cytogenetic location: 3q21.1.
Variant type: single nucleotide variant.
Coding change: c.2013T>G on transcript NM_053025.4 (MANE Select); coding-DNA position 2013, T replaced by G.
Protein change: p.Phe671Leu; replaces phenylalanine 671 with leucine.
Molecular consequence: missense variant.
Genome position (GRCh38, 1-based): chr3:123,708,825, A>C on the plus strand (T>G on the coding strand, the complement: MYLK is on the minus strand). VCF-style: chr3-123708825-A-C. GRCh37 (hg19) VCF-style: chr3-123427672-A-C.
Other names: c.1485T>G, p.Phe495Leu (NM_001321309.2); c.1806T>G, p.Phe602Leu (NM_053026.4, NM_053028.4); c.2013T>G, p.Phe671Leu (NM_053027.4); short protein forms F495L, F602L, F671L.
Identifiers: ClinVar variation 3371160 (VCV003371160.1).